The following is an entry in ClinVar:

ClinVar aggregate classification (germline): Uncertain significance (1 of 4 stars; one submission).

gnomAD v4.1: 27 of 1,613,928 alleles (0.0017%); highest among the groups gnomAD compares: African/African-American, 0.0027%; no homozygotes.

Submission:

Labcorp Genetics (formerly Invitae), Labcorp
Classification: Uncertain significance. Last evaluated: 2025-06-24. Review status: criteria provided, single submitter. Criteria: Invitae Variant Classification Sherloc (09022015). Collection method: clinical testing. Allele origin: germline.
Comment: This sequence change replaces phenylalanine, which is neutral and non-polar, with serine, which is neutral and polar, at codon 345 of the DHX32 protein (p.Phe345Ser). This variant is present in population databases (rs371170658, gnomAD 0.007%). This variant has not been reported in the literature in individuals affected with DHX32-related conditions. An algorithm developed to predict the effect of missense changes on protein structure and function outputs the following: PolyPhen-2: "Benign". The serine amino acid residue is found in multiple mammalian species, which suggests that this missense change does not adversely affect protein function. In summary, the available evidence is currently insufficient to determine the role of this variant in disease. Therefore, it has been classified as a Variant of Uncertain Significance.

NM_018180.3(DHX32):c.1034T>C (p.Phe345Ser)

Gene: DHX32 (DEAH-box helicase 32 (putative); minus strand). Cytogenetic location: 10q26.2.
Variant type: single nucleotide variant.
Coding change: c.1034T>C on transcript NM_018180.3 (MANE Select); coding-DNA position 1034, T replaced by C.
Protein change: p.Phe345Ser; replaces phenylalanine 345 with serine.
Molecular consequence: missense variant.
Genome position (GRCh38, 1-based): chr10:125,854,019, A>G on the plus strand (T>C on the coding strand, the complement: DHX32 is on the minus strand). VCF-style: chr10-125854019-A-G. GRCh37 (hg19) VCF-style: chr10-127542588-A-G.
Other names: short protein forms F345S.
Identifiers: ClinVar variation 4703558 (VCV004703558.1).
Genomic context (GRCh38, chr10:125,854,019, plus strand): 5'-ACCTTTCTTCTTTCCACACCCACATCGATAACAAATCTGACTGAGTTGCTCCAGATCAAA[A>G]ACTCTCCAGAGCTAGTAGTTAACACCACTCTTCTTTGATAAACTTGGCATCTTTTTTCTG-3'
Protein context (NP_060650.2, residues 335-355): RVVLTTSSGE[Phe345Ser]LIWSNSVRFV